The following is an entry in ClinVar:

NM_014669.5(NUP93):c.2137-18G>A

Gene: NUP93 (nucleoporin 93; plus strand). Cytogenetic location: 16q13.
Variant type: single nucleotide variant.
Coding change: c.2137-18G>A on transcript NM_014669.5 (MANE Select); 18 bases into the intron before coding-DNA position 2137, G replaced by A.
Molecular consequence: intron variant.
Genome position (GRCh38, 1-based): chr16:56,839,503, G>A. VCF-style: chr16-56839503-G-A. GRCh37 (hg19) VCF-style: chr16-56873415-G-A.
Other names: c.1768-18G>A (NM_001242795.2, NM_001242796.2); c.2137-18G>A (NM_014669.4).
Identifiers: ClinVar variation 916314 (VCV000916314.49), dbSNP rs376379631, ClinGen allele CA8068675.
Genomic context (GRCh38, chr16:56,839,503, plus strand): 5'-AGGTGCTGACTTTACATGTAGAGAGATGAAATGACTGTGATGGTTGTGTTACATGGGGCC[G>A]GTGGTTGTTTTAAACAGATCATTGAGCGCTTGAAGCTGGTGCCCCTGAATCAGGAAAGTG-3'

ClinVar aggregate classification (germline): Conflicting classifications of pathogenicity. Review status: criteria provided, conflicting classifications (1 of 4 stars). 6 submissions from 6 submitters: Likely pathogenic (5); Uncertain significance (1). Last evaluated 2026-08-07.

Conditions:
NUP93-related disorder. Also called: NUP93-related condition.
Nephrotic syndrome, type 12 (NPHS12). Identifiers: Orphanet 656, MedGen C4225166, MONDO:0014817, OMIM 616892.

Allele frequency attached by ClinVar (database versions not stated): 1000 Genomes Project 30x 0.00016; TOPMed 0.00018; gnomAD exomes 0.00019 and 0.00024; 1000 Genomes Project 0.00020; ExAC 0.00022; gnomAD 0.00024 and 0.00025; ESP Exome Variant Server 0.00031.
gnomAD v4.1: 303 of 1,592,030 alleles (0.019%); highest among the groups gnomAD compares: Non-Finnish European, 0.021%; 1 homozygote.

Submissions (6):

PreventionGenetics, part of Exact Sciences
Classification: Likely pathogenic for NUP93-related condition. Last evaluated: 2026-08-07. Review status: criteria provided, single submitter. Criteria: ACMG Guidelines, 2015. Collection method: clinical testing. Allele origin: germline.
Comment: The NUP93 c.2137-18G>A variant is predicted to interfere with splicing. This variant was reported in the compound heterozygous state to a truncating variant in an individual with focal segmental glomerular sclerosis, and was shown to result in exon skipping in vivo and in vitro (Rossanti et al. 2019. PubMed ID: 31015583). This variant was also reported in the homozygous state in a fetus with increased nuchal transparency and focal segmental glomerular sclerosis (Table S1, Gabriel et al. 2021. PubMed ID: 34958143). This variant is reported in 0.14% of alleles in individuals of Ashkenazi Jewish descent in gnomAD. This variant is interpreted as likely pathogenic.

GeneDx
Classification: Likely pathogenic. Last evaluated: 2026-04-23. Review status: criteria provided, single submitter. Criteria: GeneDx Variant Classification Process June 2021. Collection method: clinical testing. Allele origin: germline.
Comment: Published functional studies demonstrate a damaging effect resulting in a truncated protein, reduced protein expression, and impaired localization to the nuclear membrane (PMID: 31015583); In silico analysis suggests this variant may impact gene splicing. In the absence of RNA/functional studies, the actual effect of this sequence change is unknown.; This variant is associated with the following publications: (PMID: 37873737, 34958143, 37692026, 31015583)

Labcorp Genetics (formerly Invitae), Labcorp
Classification: Uncertain significance. Last evaluated: 2025-10-02. Review status: criteria provided, single submitter. Criteria: Invitae Variant Classification Sherloc (09022015). Collection method: clinical testing. Allele origin: germline.
Comment: This sequence change falls in intron 19 of the NUP93 gene. It does not directly change the encoded amino acid sequence of the NUP93 protein. This variant is present in population databases (rs376379631, gnomAD 0.2%). This variant has been observed in individual(s) with nephrotic syndrome (PMID: 31015583). In at least one individual the data is consistent with being in trans (on the opposite chromosome) from a pathogenic variant. ClinVar contains an entry for this variant (Variation ID: 916314). Studies have shown that this variant is associated with inconclusive levels of altered splicing (PMID: 31015583). In summary, the available evidence is currently insufficient to determine the role of this variant in disease. Therefore, it has been classified as a Variant of Uncertain Significance.

CeGaT Center for Human Genetics Tuebingen
Classification: Likely pathogenic. Last evaluated: 2025-07-01. Review status: criteria provided, single submitter. Criteria: CeGaT Center For Human Genetics Tuebingen Variant Classification Criteria Version 2. Collection method: clinical testing. Allele origin: germline. Affected: yes. Observed: 4 variant alleles.
Comment: NUP93: PM2, PM3, PVS1:Moderate

Bioscientia Institut fuer Medizinische Diagnostik GmbH, Sonic Healthcare
Classification: Likely pathogenic for Nephrotic syndrome, type 12. Last evaluated: 2025-05-06. Review status: criteria provided, single submitter. Criteria: ACMG Guidelines, 2015. Collection method: clinical testing. Allele origin: germline. Affected: yes.

Blueprint Genetics
Classification: Likely pathogenic for NUP93-related disorders. Last evaluated: 2024-11-23. Review status: criteria provided, single submitter. Criteria: ACMG Guidelines, 2015. Collection method: clinical testing. Allele origin: germline. Affected: yes. Observed: 5 variant alleles.

Literature cited by the submitters: PubMed 31015583 (cited by Labcorp Genetics (formerly Invitae), Labcorp).